The following is an entry in ClinVar:

ClinVar aggregate classification (germline): Uncertain significance (1 of 4 stars; one submission).

Conditions:
Alstrom syndrome (ALMS). Identifiers: Orphanet 64, MedGen C0268425, MONDO:0008763, OMIM 203800.

Submission:

Labcorp Genetics (formerly Invitae), Labcorp
Classification: Uncertain significance for Alstrom syndrome. Last evaluated: 2022-06-29. Review status: criteria provided, single submitter. Criteria: Invitae Variant Classification Sherloc (09022015). Collection method: clinical testing. Allele origin: germline.
Comment: This variant is a gross deletion of the genomic region encompassing exon(s) 13 of the ALMS1 gene. This variant would be expected to be in-frame, preserving the integrity of the reading frame. This variant has not been reported in the literature in individuals affected with ALMS1-related conditions. Experimental studies and prediction algorithms are not available or were not evaluated, and the functional significance of this variant is currently unknown. In summary, the available evidence is currently insufficient to determine the role of this variant in disease. Therefore, it has been classified as a Variant of Uncertain Significance.

NC_000002.11:g.(?_73777374)_(73777584_?)del

Gene: ALMS1 (ALMS1 centrosome and basal body associated protein; plus strand). Cytogenetic location: 2p13.1.
Variant type: Deletion.
Identifiers: ClinVar variation 2426067 (VCV002426067.3).